The following is an entry in ClinVar:

NM_006231.4(POLE):c.4221C>G (p.Tyr1407Ter)

Gene: POLE (DNA polymerase epsilon, catalytic subunit; minus strand). Cytogenetic location: 12q24.33.
Variant type: single nucleotide variant.
Coding change: c.4221C>G on transcript NM_006231.4 (MANE Select); coding-DNA position 4221, C replaced by G.
Protein change: p.Tyr1407Ter; replaces tyrosine 1407 with a stop codon.
Molecular consequence: nonsense.
Genome position (GRCh38, 1-based): chr12:132,643,906, G>C on the plus strand (C>G on the coding strand, the complement: POLE is on the minus strand). VCF-style: chr12-132643906-G-C. GRCh37 (hg19) VCF-style: chr12-133220492-G-C.
Other names: c.4221C>G (NM_006231.2); short protein forms Y1407*.
Identifiers: ClinVar variation 1008991 (VCV001008991.9), dbSNP rs1486192402, ClinGen allele CA387382160.
Genomic context (GRCh38, chr12:132,643,906, plus strand): 5'-ATATACGCCCTCGATGTCTGGCGCTGACAGCTCAGCGTTGATCTCGTTGATGTGTTCCTG[G>C]TACATGTCCTCTGGCACTGAATACTCATAGAGATTGTAGACCATGTTGGAGCGAGGAAGG-3'

ClinVar aggregate classification (germline): Conflicting classifications of pathogenicity. Review status: criteria provided, conflicting classifications (1 of 4 stars). 2 submissions from 2 submitters: Pathogenic (1); Uncertain significance (1). Last evaluated 2026-08-11.

Conditions:
Hereditary cancer-predisposing syndrome. Also called: Tumor predisposition; Hereditary Cancer Syndrome; Hereditary neoplastic syndrome; Neoplastic Syndromes, Hereditary. Identifiers: Orphanet 140162, MedGen C0027672, MeSH D009386, MONDO:0015356.

gnomAD v4.1: 1 of 1,614,052 alleles (0.000062%); highest among the groups gnomAD compares: Non-Finnish European, 0.000085%; no homozygotes.

Submissions (2):

Ambry Genetics
Classification: Uncertain significance for Hereditary cancer-predisposing syndrome. Last evaluated: 2026-08-11. Review status: criteria provided, single submitter. Criteria: Ambry Variant Classification Scheme 2023. Collection method: clinical testing. Allele origin: germline.
Comment: The p.Y1407* variant (also known as c.4221C>G), located in coding exon 33 of the POLE gene, results from a C to G substitution at nucleotide position 4221. This changes the amino acid from a tyrosine to a stop codon within coding exon 33. This alteration is expected to result in loss of function by premature protein truncation or nonsense-mediated mRNA decay. Although biallelic loss of function of POLE has been associated with autosomal recessive POLE deficiency, haploinsufficiency of POLE has not been established as a mechanism of disease for POLE-related polymerase proofreading-associated polyposis (PPAP) and POLE-related CMMRD-like syndrome. Based on the supporting evidence, this variant is expected to be causative of POLE deficiency when present along with a second pathogenic variant on the other allele; however, its clinical significance for PPAP and POLE-related CMMRD-like syndrome is unclear.

Labcorp Genetics (formerly Invitae), Labcorp
Classification: Pathogenic. Last evaluated: 2023-09-04. Review status: criteria provided, single submitter. Criteria: Invitae Variant Classification Sherloc (09022015). Collection method: clinical testing. Allele origin: germline.
Comment: For these reasons, this variant has been classified as Pathogenic. ClinVar contains an entry for this variant (Variation ID: 1008991). This variant has not been reported in the literature in individuals affected with POLE-related conditions. This variant is not present in population databases (gnomAD no frequency). This sequence change creates a premature translational stop signal (p.Tyr1407*) in the POLE gene. It is expected to result in an absent or disrupted protein product. Loss-of-function variants in POLE are known to be pathogenic (PMID: 23230001, 25948378, 30503519).

Literature cited by the submitters: PubMed 23230001 (cited by Labcorp Genetics (formerly Invitae), Labcorp); PubMed 25948378 (cited by Labcorp Genetics (formerly Invitae), Labcorp); PubMed 30503519 (cited by Labcorp Genetics (formerly Invitae), Labcorp).